The following is an entry in ClinVar:

NM_020376.4(PNPLA2):c.1002G>A (p.Met334Ile)

Gene: PNPLA2 (patatin like domain 2, triacylglycerol lipase; plus strand). Cytogenetic location: 11p15.5.
Variant type: single nucleotide variant.
Coding change: c.1002G>A on transcript NM_020376.4 (MANE Select); coding-DNA position 1002, G replaced by A.
Protein change: p.Met334Ile; replaces methionine 334 with isoleucine.
Molecular consequence: missense variant.
Genome position (GRCh38, 1-based): chr11:824,080, G>A. VCF-style: chr11-824080-G-A. GRCh37 (hg19) VCF-style: chr11-824080-G-A.
Other names: short protein forms M334I.
Identifiers: ClinVar variation 1034952 (VCV001034952.7), dbSNP rs1449341922, ClinGen allele CA378983718.

ClinVar aggregate classification (germline): Uncertain significance (1 of 4 stars; one submission).

Conditions:
Neutral lipid storage myopathy (NLSDM). Also called: NEUTRAL LIPID STORAGE DISEASE WITHOUT ICHTHYOSIS. Identifiers: Orphanet 98908, MedGen C1853136, MONDO:0012545, OMIM 610717.

Allele frequency attached by ClinVar (database versions not stated): gnomAD exomes below 0.00001; gnomAD 0.00001; TOPMed 0.00001.

Submission:

Labcorp Genetics (formerly Invitae), Labcorp
Classification: Uncertain significance for Neutral lipid storage myopathy. Last evaluated: 2020-03-18. Review status: criteria provided, single submitter. Criteria: Invitae Variant Classification Sherloc (09022015). Collection method: clinical testing. Allele origin: germline.
Comment: This variant is not present in population databases (ExAC no frequency). This sequence change replaces methionine with isoleucine at codon 334 of the PNPLA2 protein (p.Met334Ile). The methionine residue is moderately conserved and there is a small physicochemical difference between methionine and isoleucine. This variant has not been reported in the literature in individuals with PNPLA2-related conditions. Algorithms developed to predict the effect of missense changes on protein structure and function (SIFT, PolyPhen-2, Align-GVGD) all suggest that this variant is likely to be tolerated, but these predictions have not been confirmed by published functional studies and their clinical significance is uncertain. In summary, the available evidence is currently insufficient to determine the role of this variant in disease. Therefore, it has been classified as a Variant of Uncertain Significance.